The following is an entry in ClinVar:

NM_014855.3(AP5Z1):c.970-2_983del

Gene: AP5Z1 (adaptor related protein complex 5 subunit zeta 1; plus strand). Cytogenetic location: 7p22.1.
Variant type: Deletion.
Coding change: c.970-2_983del on transcript NM_014855.3 (MANE Select); the canonical splice acceptor site of the intron before coding-DNA position 970 through coding-DNA position 983, 16 bases deleted (AGTGCCTGGTGGAGGC).
Molecular consequence: splice acceptor variant.
Genome position (GRCh38, 1-based): chr7:4,785,520-4,785,535, AGTGCCTGGTGGAGGC deleted; deleting any 16 consecutive bases within chr7:4,785,518-4,785,535 gives the same sequence; the c. name uses the placement nearest the transcript's 3' end. VCF-style (leftmost placement, unchanged base first): chr7-4785517-CGCAGTGCCTGGTGGAG-C. GRCh37 (hg19) VCF-style: chr7-4825148-CGCAGTGCCTGGTGGAG-C.
Other names: c.970-2_983delAGTGCCTGGTGGAGGC (NM_014855.2); c.502-2_515del (NM_001364858.1).
Identifiers: ClinVar variation 650737 (VCV000650737.10), dbSNP rs1562408256, ClinGen allele CA572819212.

ClinVar aggregate classification (germline): Likely pathogenic. Review status: criteria provided, multiple submitters, no conflicts (2 of 4 stars). 3 submissions from 3 submitters: Likely pathogenic (2). 1 of the submissions does not count toward it. Last evaluated 2025-10-02.

Conditions:
Hereditary spastic paraplegia 48. Also called: Spastic paraplegia 48; SPASTIC PARAPLEGIA 48, AUTOSOMAL RECESSIVE. Identifiers: Orphanet 306511, MedGen C3150901, MONDO:0013342, OMIM 613647.
Retinal dystrophy. Also called: Inherited retinal dystrophy. Identifiers: Orphanet 71862, MedGen C0854723, MeSH D058499, MONDO:0019118, HP:0000556.

Submissions (3):

Labcorp Genetics (formerly Invitae), Labcorp
Classification: Likely pathogenic for Hereditary spastic paraplegia 48. Last evaluated: 2025-10-02. Review status: criteria provided, single submitter. Criteria: Invitae Variant Classification Sherloc (09022015). Collection method: clinical testing. Allele origin: germline.
Comment: This variant results in the deletion of part of exon 9 (c.970-2_983del) of the AP5Z1 gene. It is expected to disrupt RNA splicing. Variants that disrupt the donor or acceptor splice site typically lead to a loss of protein function (PMID: 16199547), and loss-of-function variants in AP5Z1 are known to be pathogenic (PMID: 20613862, 27606357). This variant is present in population databases (no rsID available, gnomAD 0.0009%). This variant has not been reported in the literature in individuals affected with AP5Z1-related conditions. ClinVar contains an entry for this variant (Variation ID: 650737). In summary, the currently available evidence indicates that the variant is pathogenic, but additional data are needed to prove that conclusively. Therefore, this variant has been classified as Likely Pathogenic.

Revvity Omics, Revvity
Classification: Likely pathogenic for Hereditary spastic paraplegia 48. Last evaluated: 2022-04-20. Review status: criteria provided, single submitter. Criteria: ACMG Guidelines, 2015. Collection method: clinical testing. Allele origin: germline.

Institute of Human Genetics, Univ. Regensburg, Univ. Regensburg
Classification: Pathogenic for Retinal dystrophy. Last evaluated: 2023-01-01. Review status: no assertion criteria provided. Criteria: ACMG Guidelines, 2015. Collection method: clinical testing. Allele origin: germline. Affected: yes. Not counted in ClinVar's aggregate classification.

Literature cited by the submitters: PubMed 16199547 (cited by Labcorp Genetics (formerly Invitae), Labcorp); PubMed 20613862 (cited by Labcorp Genetics (formerly Invitae), Labcorp); PubMed 27606357 (cited by Labcorp Genetics (formerly Invitae), Labcorp).